The following is an entry in ClinVar:

NM_001288705.3(CSF1R):c.2806_2814dup (p.Gly936_Ser938dup)

Gene: CSF1R (colony stimulating factor 1 receptor; minus strand). Cytogenetic location: 5q32.
Variant type: Duplication.
Coding change: c.2806_2814dup on transcript NM_001288705.3 (MANE Select); coding-DNA positions 2806 to 2814, 9 bases duplicated (GGCAGCAGC; older notation c.2806_2814dupGGCAGCAGC).
Protein change: p.Gly936_Ser938dup.
Molecular consequence: inframe insertion. On other transcripts: non-coding transcript variant (2).
Genome position (GRCh38, 1-based): chr5:150,054,174-150,054,182, GCTGCTGCC duplicated on the plus strand (GGCAGCAGC on the coding strand, the reverse complement: CSF1R is on the minus strand); duplicating any 9 consecutive bases within chr5:150,054,174-150,054,187 gives the same sequence; the c. name uses the placement nearest the transcript's 3' end. VCF-style (leftmost placement, unchanged base first): chr5-150054173-T-TGCTGCTGCC. GRCh37 (hg19) VCF-style: chr5-149433736-T-TGCTGCTGCC.
Other names: c.2806_2814dup, p.Gly936_Ser938dup (NM_001349736.2, NM_001375320.1, NM_005211.4); c.2362_2370dup, p.Gly788_Ser790dup (NM_001375321.1); c.2806_2814dup9 (NM_005211.3).
Identifiers: ClinVar variation 1418885 (VCV001418885.14), dbSNP rs767772125, ClinGen allele CA3506318.

ClinVar aggregate classification (germline): Uncertain significance. Review status: criteria provided, multiple submitters, no conflicts (2 of 4 stars). 3 submissions from 3 submitters: Uncertain significance (3). Last evaluated 2026-03-26.

Conditions:
CSF1R-related disorder. Also called: CSF1R-related condition. Identifiers: MedGen CN379780, MONDO:0100632.

Submissions (3):

PreventionGenetics, part of Exact Sciences
Classification: Uncertain significance for CSF1R-related condition. Last evaluated: 2026-03-26. Review status: criteria provided, single submitter. Criteria: ACMG Guidelines, 2015. Collection method: clinical testing. Allele origin: germline.
Comment: The CSF1R c.2806_2814dup9 variant is predicted to result in an in-frame duplication (p.Gly936_Ser938dup). To our knowledge, this variant has not been reported in the literature. This variant is reported in 0.014% of alleles in individuals of European (Finnish) descent in gnomAD. At this time, the clinical significance of this variant is uncertain due to the absence of conclusive functional and genetic evidence.

CeGaT Center for Human Genetics Tuebingen
Classification: Uncertain significance. Last evaluated: 2025-08-01. Review status: criteria provided, single submitter. Criteria: CeGaT Center For Human Genetics Tuebingen Variant Classification Criteria Version 2. Collection method: clinical testing. Allele origin: germline. Affected: yes. Observed: 1 variant allele.
Comment: CSF1R: PM2, BP3

Labcorp Genetics (formerly Invitae), Labcorp
Classification: Uncertain significance. Last evaluated: 2024-10-30. Review status: criteria provided, single submitter. Criteria: Invitae Variant Classification Sherloc (09022015). Collection method: clinical testing. Allele origin: germline.
Comment: This variant, c.2806_2814dup, results in the insertion of 3 amino acid(s) of the CSF1R protein (p.Gly936_Ser938dup), but otherwise preserves the integrity of the reading frame. This variant is present in population databases (rs767772125, gnomAD 0.01%). This variant has not been reported in the literature in individuals affected with CSF1R-related conditions. ClinVar contains an entry for this variant (Variation ID: 1418885). Experimental studies and prediction algorithms are not available or were not evaluated, and the functional significance of this variant is currently unknown. In summary, the available evidence is currently insufficient to determine the role of this variant in disease. Therefore, it has been classified as a Variant of Uncertain Significance.